The following is an entry in ClinVar:

NM_012199.5(AGO1):c.46C>A (p.Pro16Thr)

Gene: AGO1 (argonaute RISC component 1; plus strand). Cytogenetic location: 1p34.3.
Variant type: single nucleotide variant.
Coding change: c.46C>A on transcript NM_012199.5 (MANE Select); coding-DNA position 46, C replaced by A.
Protein change: p.Pro16Thr; replaces proline 16 with threonine.
Molecular consequence: missense variant. On other transcripts: 5 prime UTR variant (1).
Genome position (GRCh38, 1-based): chr1:35,888,447, C>A. VCF-style: chr1-35888447-C-A. GRCh37 (hg19) VCF-style: chr1-36354048-C-A.
Other names: c.46C>A, p.Pro16Thr (NM_001317122.2); c.-180C>A (NM_001317123.2); short protein forms P16T.
Identifiers: ClinVar variation 3600765 (VCV003600765.1).
Genomic context (GRCh38, chr1:35,888,447, plus strand): 5'-ATTGCCAGACTTTACCCTCACCAGCCTCTTTGTCTTGTAGCTGCGGGCGCTTACCTGCCC[C>A]CCCTGCAGCAGGTGTTCCAGGCACCTCGCCGGCCTGGCATTGGCACTGTGGGGAAACCAA-3'
Protein context (NP_036331.1, residues 6-26): SGAAAGAYLP[Pro16Thr]LQQVFQAPRR

ClinVar aggregate classification (germline): Uncertain significance (1 of 4 stars; one submission).

Submission:

GeneDx
Classification: Uncertain significance. Last evaluated: 2024-07-17. Review status: criteria provided, single submitter. Criteria: GeneDx Variant Classification Process June 2021. Collection method: clinical testing. Allele origin: germline. Affected: yes.
Comment: Not observed at significant frequency in large population cohorts (gnomAD); In silico analysis indicates that this missense variant does not alter protein structure/function; Has not been previously published as pathogenic or benign to our knowledge